The following is an entry in ClinVar:

ClinVar aggregate classification (germline): Uncertain significance (1 of 4 stars; one submission).

Allele frequency attached by ClinVar (database versions not stated): gnomAD 0.00003; TOPMed 0.00003; gnomAD exomes 0.00008.

Submission:

Labcorp Genetics (formerly Invitae), Labcorp
Classification: Uncertain significance. Last evaluated: 2025-10-03. Review status: criteria provided, single submitter. Criteria: Invitae Variant Classification Sherloc (09022015). Collection method: clinical testing. Allele origin: germline.
Comment: This sequence change replaces aspartic acid, which is acidic and polar, with glutamic acid, which is acidic and polar, at codon 2866 of the OTOG protein (p.Asp2866Glu). This variant is present in population databases (no rsID available, gnomAD 0.01%). This variant has not been reported in the literature in individuals affected with OTOG-related conditions. ClinVar contains an entry for this variant (Variation ID: 2137132). An algorithm developed to predict the effect of missense changes on protein structure and function (PolyPhen-2) suggests that this variant is likely to be disruptive. In summary, the available evidence is currently insufficient to determine the role of this variant in disease. Therefore, it has been classified as a Variant of Uncertain Significance.

NM_001292063.2(OTOG):c.8562T>G (p.Asp2854Glu)

Gene: OTOG (otogelin; plus strand). Cytogenetic location: 11p15.1.
Variant type: single nucleotide variant.
Coding change: c.8562T>G on transcript NM_001292063.2 (MANE Select); coding-DNA position 8562, T replaced by G.
Protein change: p.Asp2854Glu; replaces aspartic acid 2854 with glutamic acid.
Molecular consequence: missense variant.
Genome position (GRCh38, 1-based): chr11:17,645,764, T>G. VCF-style: chr11-17645764-T-G. GRCh37 (hg19) VCF-style: chr11-17667311-T-G.
Other names: c.8598T>G, p.Asp2866Glu (NM_001277269.2); short protein forms D2854E, D2866E.
Identifiers: ClinVar variation 2137132 (VCV002137132.4), dbSNP rs992791249, ClinGen allele CA218458517.